The following is an entry in ClinVar:

ClinVar aggregate classification (germline): Uncertain significance. Review status: criteria provided, multiple submitters, no conflicts (2 of 4 stars). 2 submissions from 2 submitters: Uncertain significance (2). Last evaluated 2025-02-14.

Conditions:
Inborn genetic diseases. Identifiers: MedGen C0950123, MeSH D030342.

Submissions (2):

Ambry Genetics
Classification: Uncertain significance for Inborn genetic diseases. Last evaluated: 2025-02-14. Review status: criteria provided, single submitter. Criteria: Ambry Variant Classification Scheme 2023. Collection method: clinical testing. Allele origin: germline.

GeneDx
Classification: Uncertain significance. Last evaluated: 2022-06-07. Review status: criteria provided, single submitter. Criteria: GeneDx Variant Classification Process June 2021. Collection method: clinical testing. Allele origin: germline. Affected: yes.
Comment: Not observed at significant frequency in large population cohorts (gnomAD); In silico analysis supports that this missense variant does not alter protein structure/function; Has not been previously published as pathogenic or benign to our knowledge

NM_197968.4(ZMYM2):c.3751C>A (p.Pro1251Thr)

Gene: ZMYM2 (zinc finger MYM-type containing 2; plus strand). Cytogenetic location: 13q12.11.
Variant type: single nucleotide variant.
Coding change: c.3751C>A on transcript NM_197968.4 (MANE Select); coding-DNA position 3751, C replaced by A.
Protein change: p.Pro1251Thr; replaces proline 1251 with threonine.
Molecular consequence: missense variant. On other transcripts: non-coding transcript variant (1).
Genome position (GRCh38, 1-based): chr13:20,082,963, C>A. VCF-style: chr13-20082963-C-A. GRCh37 (hg19) VCF-style: chr13-20657103-C-A.
Other names: c.3751C>A, p.Pro1251Thr (NM_001190964.4, NM_001190965.4, NM_001353157.2 and 4 more transcripts); c.3556C>A, p.Pro1186Thr (NM_001353161.3); c.3490C>A, p.Pro1164Thr (NM_001353163.2); c.3751C>A (NM_003453.3); short protein forms P1164T, P1186T, P1251T.
Identifiers: ClinVar variation 1803368 (VCV001803368.2), dbSNP rs1958002875, ClinGen allele CA387469776.
Genomic context (GRCh38, chr13:20,082,963, plus strand): 5'-ACAGTGGAACAACACTTAAGACTTTCCTTTGGCACTGTGTTTAGGCATTGGAAAAAAAAT[C>A]CTTTAACGATGGAAAACAAAGCGTGTCTTCGATACCAAGTGTCTTCCTTGTGTGGAACAG-3'
Protein context (NP_932072.1, residues 1241-1261): GTVFRHWKKN[Pro1251Thr]LTMENKACLR